The following is an entry in ClinVar:

NM_032043.3(BRIP1):c.945A>G (p.Gly315=)

Gene: BRIP1 (BRCA1 interacting DNA helicase 1; minus strand). Cytogenetic location: 17q23.2.
Variant type: single nucleotide variant.
Coding change: c.945A>G on transcript NM_032043.3 (MANE Select); coding-DNA position 945, A replaced by G.
Protein change: p.Gly315=; no amino-acid change (glycine 315 retained).
Molecular consequence: synonymous variant.
Genome position (GRCh38, 1-based): chr17:61,801,448, T>C on the plus strand (A>G on the coding strand, the complement: BRIP1 is on the minus strand). VCF-style: chr17-61801448-T-C. GRCh37 (hg19) VCF-style: chr17-59878809-T-C.
Identifiers: ClinVar variation 1767010 (VCV001767010.7), dbSNP rs2145341765, ClinGen allele CA501151985.

ClinVar aggregate classification (germline): Conflicting classifications of pathogenicity. Review status: criteria provided, conflicting classifications (1 of 4 stars). 2 submissions from 2 submitters: Uncertain significance (1); Likely benign (1). Last evaluated 2022-03-10.

Conditions:
Hereditary cancer-predisposing syndrome. Also called: Neoplastic Syndromes, Hereditary; Tumor predisposition; Hereditary neoplastic syndrome; Hereditary Cancer Syndrome. Identifiers: Orphanet 140162, MedGen C0027672, MeSH D009386, MONDO:0015356.
Fanconi anemia complementation group J. Also called: BRIP1-Related Fanconi Anemia. Identifiers: Orphanet 84, MedGen C1836860, MONDO:0012187, OMIM 609054.
Familial cancer of breast. Also called: BREAST CANCER, FAMILIAL; Hereditary breast cancer; hereditary breast carcinoma. Identifiers: Orphanet 227535, MedGen C0346153, MONDO:0016419, OMIM 114480. Disease mechanism: loss of function.

Submissions (2):

Labcorp Genetics (formerly Invitae), Labcorp
Classification: Uncertain significance for Familial cancer of breast; Fanconi anemia complementation group J. Last evaluated: 2022-03-10. Review status: criteria provided, single submitter. Criteria: Invitae Variant Classification Sherloc (09022015). Collection method: clinical testing. Allele origin: germline.
Comment: Algorithms developed to predict the effect of sequence changes on RNA splicing suggest that this variant may disrupt the consensus splice site. In summary, the available evidence is currently insufficient to determine the role of this variant in disease. Therefore, it has been classified as a Variant of Uncertain Significance. This variant has not been reported in the literature in individuals affected with BRIP1-related conditions. This variant is not present in population databases (gnomAD no frequency). This sequence change affects codon 315 of the BRIP1 mRNA. It is a 'silent' change, meaning that it does not change the encoded amino acid sequence of the BRIP1 protein.

Ambry Genetics
Classification: Likely benign for Hereditary cancer-predisposing syndrome. Last evaluated: 2021-10-07. Review status: criteria provided, single submitter. Criteria: Ambry Variant Classification Scheme 2023. Collection method: clinical testing. Allele origin: germline.